The following is an entry in ClinVar:

ClinVar aggregate classification (germline): Likely pathogenic (1 of 4 stars; one submission).

Conditions:
Hereditary spastic paraplegia 30. Identifiers: Orphanet 101010, MedGen C5235139, MONDO:0012476.
Neuropathy, hereditary sensory, type 2C. Also called: Hereditary sensory and autonomic neuropathy type IIC; KIF1A-Related HSAN2 (HSAN2C). Identifiers: Orphanet 970, MedGen C3280168, MONDO:0013634, OMIM 614213.
Intellectual disability, autosomal dominant 9 (NESCAVS). Also called: NESCAV SYNDROME; KIF1A-Related Neurodevelopmental Disorder. Identifiers: Orphanet 662367, MedGen C5393830, MONDO:0013656, OMIM 614255.

Allele frequency attached by ClinVar (database versions not stated): gnomAD exomes below 0.00001; TOPMed below 0.00001; ExAC 0.00001.
gnomAD v4.1: 1 of 1,610,078 alleles (0.000062%); highest among the groups gnomAD compares: Admixed American, 0.0017%; no homozygotes.

Submission:

Labcorp Genetics (formerly Invitae), Labcorp
Classification: Likely pathogenic for Hereditary spastic paraplegia 30; Neuropathy, hereditary sensory, type 2C; Intellectual disability, autosomal dominant 9. Last evaluated: 2024-03-07. Review status: criteria provided, single submitter. Criteria: Invitae Variant Classification Sherloc (09022015). Collection method: clinical testing. Allele origin: germline.
Comment: This sequence change affects a donor splice site in intron 29 of the KIF1A gene. It is expected to disrupt RNA splicing. Variants that disrupt the donor or acceptor splice site typically lead to a loss of protein function (PMID: 16199547), and loss-of-function variants in KIF1A are known to be pathogenic (PMID: 21820098). This variant is present in population databases (rs113158271, gnomAD 0.003%). This variant has not been reported in the literature in individuals affected with KIF1A-related conditions. ClinVar contains an entry for this variant (Variation ID: 1955838). Algorithms developed to predict the effect of sequence changes on RNA splicing suggest that this variant may disrupt the consensus splice site. In summary, the currently available evidence indicates that the variant is pathogenic, but additional data are needed to prove that conclusively. Therefore, this variant has been classified as Likely Pathogenic.

Literature cited by the submitters: PubMed 16199547; PubMed 21820098.

NM_001244008.2(KIF1A):c.3465+1G>A

Gene: KIF1A (kinesin family member 1A; minus strand). Cytogenetic location: 2q37.3.
Variant type: single nucleotide variant.
Coding change: c.3465+1G>A on transcript NM_001244008.2 (MANE Select); the canonical splice donor site of the intron after coding-DNA position 3465, G replaced by A.
Molecular consequence: splice donor variant.
Genome position (GRCh38, 1-based): chr2:240,745,426, C>T on the plus strand (G>A on the coding strand, the complement: KIF1A is on the minus strand). VCF-style: chr2-240745426-C-T. GRCh37 (hg19) VCF-style: chr2-241684843-C-T.
Other names: c.3162+1G>A (NM_001379653.1, NM_001379650.1, NM_001379641.1 and 5 more transcripts); c.3438+1G>A (NM_001379645.1, NM_001379633.1, NM_001379642.1); c.3264+1G>A (NM_001379635.1, NM_001330290.2, NM_001379646.1 and 1 more transcripts); c.3159+1G>A (NM_001379640.1); c.3414+1G>A (NM_001379632.1); c.3237+1G>A (NM_001379637.1, NM_001379648.1); c.3189+1G>A (NM_001320705.2, NM_001379638.1, NM_001330289.2); c.3540+1G>A (NM_001379631.1).
Identifiers: ClinVar variation 1955838 (VCV001955838.5), dbSNP rs113158271, ClinGen allele CA2207807.
Genomic context (GRCh38, chr2:240,745,426, plus strand): 5'-CAGAGAGGCCCTGGGAGGGTCAGTCAGTGGCAGGGATGGGGAGAAGTGCCCAGGAACGTA[C>T]GTTCTGGACGTGGTAGAAGCCAAGTGGGGGGCCTCTGCCTGTGTTCTTCAGGGGCTCTGT-3'